The following is an entry in ClinVar:

NM_004336.5(BUB1):c.1448T>C (p.Ile483Thr)

Gene: BUB1 (BUB1 mitotic checkpoint serine/threonine kinase; minus strand). Cytogenetic location: 2q13.
Variant type: single nucleotide variant.
Coding change: c.1448T>C on transcript NM_004336.5 (MANE Select); coding-DNA position 1448, T replaced by C.
Protein change: p.Ile483Thr; replaces isoleucine 483 with threonine.
Molecular consequence: missense variant.
Genome position (GRCh38, 1-based): chr2:110,658,478, A>G on the plus strand (T>C on the coding strand, the complement: BUB1 is on the minus strand). VCF-style: chr2-110658478-A-G. GRCh37 (hg19) VCF-style: chr2-111416055-A-G.
Other names: c.1388T>C, p.Ile463Thr (NM_001278616.2); c.1448T>C, p.Ile483Thr (NM_001278617.2); short protein forms I463T, I483T.
Identifiers: ClinVar variation 1772841 (VCV001772841.3), dbSNP rs755528058, ClinGen allele CA1828076.

ClinVar aggregate classification (germline): Uncertain significance (1 of 4 stars; one submission).

Allele frequency attached by ClinVar (database versions not stated): gnomAD exomes below 0.00001; ExAC 0.00001.
gnomAD v4.1: 1 of 1,614,116 alleles (0.000062%); highest among the groups gnomAD compares: Non-Finnish European, 0.000085%; no homozygotes.

Submission:

Ambry Genetics
Classification: Uncertain significance. Last evaluated: 2024-05-31. Review status: criteria provided, single submitter. Criteria: Ambry Variant Classification Scheme 2023. Collection method: clinical testing. Allele origin: germline.
Comment: The p.I483T variant (also known as c.1448T>C), located in coding exon 13 of the BUB1 gene, results from a T to C substitution at nucleotide position 1448. The isoleucine at codon 483 is replaced by threonine, an amino acid with similar properties. This amino acid position is conserved. In addition, this alteration is predicted to be tolerated by in silico analysis. Since supporting evidence is limited at this time, the clinical significance of this alteration remains unclear.